The following is an entry in ClinVar:

NM_017841.4(SDHAF2):c.112G>A (p.Asp38Asn)

Gene: SDHAF2 (succinate dehydrogenase complex assembly factor 2; plus strand). Cytogenetic location: 11q12.2.
Variant type: single nucleotide variant.
Coding change: c.112G>A on transcript NM_017841.4 (MANE Select); coding-DNA position 112, G replaced by A.
Protein change: p.Asp38Asn; replaces aspartic acid 38 with asparagine.
Molecular consequence: missense variant.
Genome position (GRCh38, 1-based): chr11:61,437,700, G>A. VCF-style: chr11-61437700-G-A. GRCh37 (hg19) VCF-style: chr11-61205172-G-A.
Other names: short protein forms D38N.
Identifiers: ClinVar variation 2765268 (VCV002765268.3), dbSNP rs2540124128, ClinGen allele CA380683117.

ClinVar aggregate classification (germline): Uncertain significance (1 of 4 stars; one submission).

Conditions:
Hereditary pheochromocytoma and paraganglioma. Also called: Hereditary Paraganglioma-Pheochromocytoma Syndromes; Hereditary pheochromocytoma-paraganglioma; Hereditary paragangliomas and pheochromocytomas. Identifiers: Orphanet 29072, MedGen C4274332, MONDO:0017366.

Submission:

Labcorp Genetics (formerly Invitae), Labcorp
Classification: Uncertain significance for Hereditary pheochromocytoma and paraganglioma. Last evaluated: 2023-10-04. Review status: criteria provided, single submitter. Criteria: Invitae Variant Classification Sherloc (09022015). Collection method: clinical testing. Allele origin: germline.
Comment: This sequence change replaces aspartic acid, which is acidic and polar, with asparagine, which is neutral and polar, at codon 38 of the SDHAF2 protein (p.Asp38Asn). This variant is not present in population databases (gnomAD no frequency). This variant has not been reported in the literature in individuals affected with SDHAF2-related conditions. An algorithm developed to predict the effect of missense changes on protein structure and function (PolyPhen-2) suggests that this variant is likely to be tolerated. Algorithms developed to predict the effect of sequence changes on RNA splicing suggest that this variant may create or strengthen a splice site. In summary, the available evidence is currently insufficient to determine the role of this variant in disease. Therefore, it has been classified as a Variant of Uncertain Significance.